The following is an entry in ClinVar:

NM_001042492.3(NF1):c.1137C>G (p.Cys379Trp)

Gene: NF1 (neurofibromin 1; plus strand). Cytogenetic location: 17q11.2.
Variant type: single nucleotide variant.
Coding change: c.1137C>G on transcript NM_001042492.3 (MANE Select); coding-DNA position 1137, C replaced by G.
Protein change: p.Cys379Trp; replaces cysteine 379 with tryptophan.
Molecular consequence: missense variant.
Genome position (GRCh38, 1-based): chr17:31,201,111, C>G. VCF-style: chr17-31201111-C-G. GRCh37 (hg19) VCF-style: chr17-29528129-C-G.
Other names: c.1137C>G, p.Cys379Trp (NM_000267.4, NM_001128147.3); short protein forms C379W.
Identifiers: ClinVar variation 1730004 (VCV001730004.2), dbSNP rs139648455, ClinGen allele CA398997063.
Genomic context (GRCh38, chr17:31,201,111, plus strand): 5'-TCCAAGTAAGCCATTCTCAAGAGGCAGTCAGCCTGCAGATGTGGATCTAATGATTGACTG[C>G]CTTGTTTCTTGCTTTCGTATAAGCCCTCACAACAACCAACACTTTAAGGTGAGAGCATTG-3'
Protein context (NP_001035957.1, residues 369-389): QPADVDLMID[Cys379Trp]LVSCFRISPH

ClinVar aggregate classification (germline): Uncertain significance (1 of 4 stars; one submission).

Conditions:
Hereditary cancer-predisposing syndrome. Also called: Neoplastic Syndromes, Hereditary; Tumor predisposition; Hereditary Cancer Syndrome; Hereditary neoplastic syndrome. Identifiers: Orphanet 140162, MedGen C0027672, MeSH D009386, MONDO:0015356.
Cardiovascular phenotype. Identifiers: MedGen CN230736.

Submission:

Ambry Genetics
Classification: Uncertain significance for Cardiovascular phenotype; Hereditary cancer-predisposing syndrome. Last evaluated: 2022-08-29. Review status: criteria provided, single submitter. Criteria: Ambry Variant Classification Scheme 2023. Collection method: clinical testing. Allele origin: germline.
Comment: The p.C379W variant (also known as c.1137C>G), located in coding exon 10 of the NF1 gene, results from a C to G substitution at nucleotide position 1137. The cysteine at codon 379 is replaced by tryptophan, an amino acid with highly dissimilar properties. This amino acid position is conserved. In addition, this alteration is predicted to be deleterious by in silico analysis. Since supporting evidence is limited at this time, the clinical significance of this alteration remains unclear.